The following is an entry in ClinVar:

NM_007294.4(BRCA1):c.1714G>A (p.Glu572Lys)

Gene: BRCA1 (BRCA1 DNA repair associated; minus strand). Cytogenetic location: 17q21.31.
Variant type: single nucleotide variant.
Coding change: c.1714G>A on transcript NM_007294.4 (MANE Select); coding-DNA position 1714, G replaced by A.
Protein change: p.Glu572Lys; replaces glutamic acid 572 with lysine.
Molecular consequence: missense variant. On other transcripts: intron variant (137).
Genome position (GRCh38, 1-based): chr17:43,093,817, C>T on the plus strand (G>A on the coding strand, the complement: BRCA1 is on the minus strand). VCF-style: chr17-43093817-C-T. GRCh37 (hg19) VCF-style: chr17-41245834-C-T.
Other names: c.1447G>A, p.Glu483Lys (NM_001407932.1, NM_001407934.1, NM_001407936.1 and 2 more transcripts); c.1450G>A, p.Glu484Lys (NM_001407933.1, NM_001407935.1, NM_001407920.1 and 9 more transcripts); c.1591G>A, p.Glu531Lys (NM_001407937.1, NM_001407938.1, NM_001407939.1 and 19 more transcripts); c.1588G>A, p.Glu530Lys (NM_001407940.1, NM_001407941.1, NM_001407649.1 and 11 more transcripts); c.1573G>A, p.Glu525Lys (NM_001407942.1, NM_001407944.1, NM_001407945.1 and 29 more transcripts); c.1570G>A, p.Glu524Lys (NM_001407943.1, NM_001407964.1, NM_001407740.1 and 20 more transcripts); c.1381G>A, p.Glu461Lys (NM_001407946.1, NM_001407947.1, NM_001407948.1 and 6 more transcripts); c.1378G>A, p.Glu460Lys (NM_001407954.1, NM_001407955.1, NM_001407956.1 and 1 more transcripts); and 40 more; short protein forms E572K, E525K, E460K, E505K, E530K, E545K, E276K, E461K.
Identifiers: ClinVar variation 481462 (VCV000481462.18), dbSNP rs730881473, ClinGen allele CA10598601.

ClinVar aggregate classification (germline): Conflicting classifications of pathogenicity. Review status: criteria provided, conflicting classifications (1 of 4 stars). 3 submissions from 3 submitters: Uncertain significance (2); Likely benign (1). Last evaluated 2024-07-05.

Conditions:
Hereditary cancer-predisposing syndrome. Also called: Hereditary Cancer Syndrome; Neoplastic Syndromes, Hereditary; Tumor predisposition; Hereditary neoplastic syndrome. Identifiers: Orphanet 140162, MedGen C0027672, MeSH D009386, MONDO:0015356.
Hereditary breast ovarian cancer syndrome. Also called: Hereditary breast and ovarian cancer syndrome; Hereditary breast and ovarian cancer; Hereditary breast and ovarian cancer syndrome (HBOC); Breast and ovarian cancer; Hereditary breast and/or ovarian cancer syndrome; BRCA1- and BRCA2-Associated Hereditary Breast and Ovarian Cancer. Identifiers: Orphanet 145, MedGen C0677776, MeSH D061325, MONDO:0003582. Disease mechanism: loss of function.

Submissions (3):

Ambry Genetics
Classification: Uncertain significance for Hereditary cancer-predisposing syndrome. Last evaluated: 2024-07-05. Review status: criteria provided, single submitter. Criteria: Ambry Variant Classification Scheme 2023. Collection method: clinical testing. Allele origin: germline.
Comment: The p.E572K variant (also known as c.1714G>A), located in coding exon 9 of the BRCA1 gene, results from a G to A substitution at nucleotide position 1714. The glutamic acid at codon 572 is replaced by lysine, an amino acid with similar properties. This amino acid position is well conserved in available vertebrate species. In addition, this alteration is predicted to be deleterious by in silico analysis. Based on the available evidence, the clinical significance of this variant remains unclear.

University of Washington Department of Laboratory Medicine, University of Washington
Classification: Likely benign for Hereditary cancer-predisposing syndrome. Last evaluated: 2023-03-23. Review status: criteria provided, single submitter. Criteria: Dines et al. (Genet Med. 2020). Collection method: curation. Allele origin: germline.
Comment: Missense variant in a coldspot region where missense variants are very unlikely to be pathogenic (PMID:31911673).

BRCA1 coldspot (exon 11 using historical exon numbering). Reclassification based on statistical prior probability

Labcorp Genetics (formerly Invitae), Labcorp
Classification: Uncertain significance for Hereditary breast ovarian cancer syndrome. Last evaluated: 2020-10-24. Review status: criteria provided, single submitter. Criteria: Invitae Variant Classification Sherloc (09022015). Collection method: clinical testing. Allele origin: germline.
Comment: Advanced modeling of protein sequence and biophysical properties (such as structural, functional, and spatial information, amino acid conservation, physicochemical variation, residue mobility, and thermodynamic stability) performed at Invitae indicates that this missense variant is not expected to disrupt BRCA1 protein function. In summary, the available evidence is currently insufficient to determine the role of this variant in disease. Therefore, it has been classified as a Variant of Uncertain Significance. This variant has not been reported in the literature in individuals with BRCA1-related conditions. ClinVar contains an entry for this variant (Variation ID: 481462). This variant is not present in population databases (ExAC no frequency). This sequence change replaces glutamic acid with lysine at codon 572 of the BRCA1 protein (p.Glu572Lys). The glutamic acid residue is moderately conserved and there is a small physicochemical difference between glutamic acid and lysine.